The following is an entry in ClinVar:

ClinVar aggregate classification (germline): Uncertain significance (1 of 4 stars; one submission).

Conditions:
Hyperphosphatasia with impaired intellectual development syndrome 2. Also called: Hyperphosphatasia with intellectual disability syndrome 2; GLYCOSYLPHOSPHATIDYLINOSITOL BIOSYNTHESIS DEFECT 6. Identifiers: Orphanet 247262, MedGen C3553637, MONDO:0013882, OMIM 614749.

Allele frequency attached by ClinVar (database versions not stated): gnomAD exomes 0.00001; ExAC 0.00001.
gnomAD v4.1: 3 of 1,608,816 alleles (0.00019%); highest among the groups gnomAD compares: Middle Eastern, 0.017%; no homozygotes.

Submission:

Labcorp Genetics (formerly Invitae), Labcorp
Classification: Uncertain significance for Hyperphosphatasia with impaired intellectual development syndrome 2. Last evaluated: 2021-02-24. Review status: criteria provided, single submitter. Criteria: Invitae Variant Classification Sherloc (09022015). Collection method: clinical testing. Allele origin: germline.
Comment: This sequence change replaces alanine with valine at codon 951 of the PIGO protein (p.Ala951Val). The alanine residue is moderately conserved and there is a small physicochemical difference between alanine and valine. This variant is present in population databases (rs761635526, ExAC 0.007%). This variant has not been reported in the literature in individuals with PIGO-related conditions. Algorithms developed to predict the effect of missense changes on protein structure and function (SIFT, PolyPhen-2, Align-GVGD) all suggest that this variant is likely to be tolerated, but these predictions have not been confirmed by published functional studies and their clinical significance is uncertain. Algorithms developed to predict the effect of sequence changes on RNA splicing suggest that this variant may create or strengthen a splice site, but this prediction has not been confirmed by published transcriptional studies. In summary, the available evidence is currently insufficient to determine the role of this variant in disease. Therefore, it has been classified as a Variant of Uncertain Significance.

NM_032634.4(PIGO):c.2852C>T (p.Ala951Val)

Gene: PIGO (phosphatidylinositol glycan anchor biosynthesis class O; minus strand). Cytogenetic location: 9p13.3.
Variant type: single nucleotide variant.
Coding change: c.2852C>T on transcript NM_032634.4 (MANE Select); coding-DNA position 2852, C replaced by T.
Protein change: p.Ala951Val; replaces alanine 951 with valine.
Molecular consequence: missense variant.
Genome position (GRCh38, 1-based): chr9:35,090,468, G>A on the plus strand (C>T on the coding strand, the complement: PIGO is on the minus strand). VCF-style: chr9-35090468-G-A. GRCh37 (hg19) VCF-style: chr9-35090465-G-A.
Other names: c.1601C>T, p.Ala534Val (NM_001201484.2, NM_152850.4); short protein forms A534V, A951V.
Identifiers: ClinVar variation 643485 (VCV000643485.8), dbSNP rs761635526, ClinGen allele CA5040327.